The following is an entry in ClinVar:

NM_006206.6(PDGFRA):c.1364+4T>C

Gene: PDGFRA (platelet derived growth factor receptor alpha; plus strand). Cytogenetic location: 4q12.
Variant type: single nucleotide variant.
Coding change: c.1364+4T>C on transcript NM_006206.6 (MANE Select); 4 bases into the intron after coding-DNA position 1364, T replaced by C.
Molecular consequence: intron variant.
Genome position (GRCh38, 1-based): chr4:54,272,524, T>C. VCF-style: chr4-54272524-T-C. GRCh37 (hg19) VCF-style: chr4-55138691-T-C.
Other names: c.1439+4T>C (NM_001347828.2); c.1364+4T>C (NM_001347827.2, NM_001347829.2); c.1403+4T>C (NM_001347830.2).
Identifiers: ClinVar variation 656935 (VCV000656935.10), dbSNP rs1577722785, ClinGen allele CA915943053.

ClinVar aggregate classification (germline): Uncertain significance. Review status: criteria provided, multiple submitters, no conflicts (2 of 4 stars). 2 submissions from 2 submitters: Uncertain significance (2). Last evaluated 2025-04-16.

Conditions:
Hereditary cancer-predisposing syndrome. Also called: Neoplastic Syndromes, Hereditary; Tumor predisposition; Hereditary Cancer Syndrome; Hereditary neoplastic syndrome. Identifiers: Orphanet 140162, MedGen C0027672, MeSH D009386, MONDO:0015356.
Gastrointestinal stromal tumor. Also called: Gastrointestinal stromal tumor, somatic; Gastrointestinal stroma tumor. Identifiers: Orphanet 44890, MedGen C0238198, MeSH D046152, MONDO:0011719, OMIM 606764, HP:0100723.

Allele frequency attached by ClinVar (database versions not stated): gnomAD 0.00001; TOPMed 0.00001.
gnomAD v4.1: 3 of 1,613,552 alleles (0.00019%); no homozygotes.

Submissions (2):

Ambry Genetics
Classification: Uncertain significance for Hereditary cancer-predisposing syndrome. Last evaluated: 2025-04-16. Review status: criteria provided, single submitter. Criteria: Ambry Variant Classification Scheme 2023. Collection method: clinical testing. Allele origin: germline.
Comment: The c.1364+4T>C intronic variant results from a T to C substitution 4 nucleotides after coding exon 8 in the PDGFRA gene. This nucleotide position is not well conserved in available vertebrate species. In silico splice site analysis predicts that this alteration will not have any significant effect on splicing. Based on the available evidence, the clinical significance of this variant remains unclear.

Labcorp Genetics (formerly Invitae), Labcorp
Classification: Uncertain significance for Gastrointestinal stromal tumor. Last evaluated: 2024-10-15. Review status: criteria provided, single submitter. Criteria: Invitae Variant Classification Sherloc (09022015). Collection method: clinical testing. Allele origin: germline.
Comment: This sequence change falls in intron 9 of the PDGFRA gene. It does not directly change the encoded amino acid sequence of the PDGFRA protein. It affects a nucleotide within the consensus splice site. This variant is not present in population databases (gnomAD no frequency). This variant has not been reported in the literature in individuals affected with PDGFRA-related conditions. ClinVar contains an entry for this variant (Variation ID: 656935). Variants that disrupt the consensus splice site are a relatively common cause of aberrant splicing (PMID: 17576681, 9536098). Algorithms developed to predict the effect of sequence changes on RNA splicing suggest that this variant is not likely to affect RNA splicing. In summary, the available evidence is currently insufficient to determine the role of this variant in disease. Therefore, it has been classified as a Variant of Uncertain Significance.

Literature cited by the submitters: PubMed 17576681 (cited by Labcorp Genetics (formerly Invitae), Labcorp); PubMed 9536098 (cited by Labcorp Genetics (formerly Invitae), Labcorp).